The following is an entry in ClinVar:

NM_206933.4(USH2A):c.8845+632T>A

Gene: USH2A (usherin; minus strand). Cytogenetic location: 1q41.
Variant type: single nucleotide variant.
Coding change: c.8845+632T>A on transcript NM_206933.4 (MANE Select); 632 bases into the intron after coding-DNA position 8845, T replaced by A.
Molecular consequence: intron variant.
Genome position (GRCh38, 1-based): chr1:215,866,375, A>T on the plus strand (T>A on the coding strand, the complement: USH2A is on the minus strand). VCF-style: chr1-215866375-A-T. GRCh37 (hg19) VCF-style: chr1-216039717-A-T.
Identifiers: ClinVar variation 4985356 (VCV004985356.1).
Genomic context (GRCh38, chr1:215,866,375, plus strand): 5'-TTCAGTTACTGTGGTTTCTAACGTTGCAGGAACAGATTAGATTACTCTGTGAACTCTTCC[A>T]AATGCCTGTTAAAAAAGTGTTCCCAGCAGGTCCAGGGTCGACCCTGCATTATTTAAGTGG-3'

ClinVar aggregate classification (germline): Likely benign (1 of 4 stars; one submission).

Conditions:
USH2A-related disorder. Also called: USH2A-related condition; USH2A-related disorders. Identifiers: MedGen CN239332.

Submission:

PreventionGenetics, part of Exact Sciences
Classification: Likely benign for USH2A-related condition. Last evaluated: 2026-04-23. Review status: criteria provided, single submitter. Criteria: ACMG Guidelines, 2015. Collection method: clinical testing. Allele origin: germline.
Comment: This variant is classified as likely benign based on ACMG/AMP sequence variant interpretation guidelines (Richards et al. 2015 PMID: 25741868, with internal and published modifications).